The following is an entry in ClinVar:

NM_001042492.3(NF1):c.3198-9_3198-4del

Gene: NF1 (neurofibromin 1; plus strand). Cytogenetic location: 17q11.2.
Variant type: Deletion.
Coding change: c.3198-9_3198-4del on transcript NM_001042492.3 (MANE Select); 9 bases into the intron before coding-DNA position 3198 through 4 bases into the intron before coding-DNA position 3198, 6 bases deleted (TTTTTT; older notation c.3198-9_3198-4delTTTTTT).
Molecular consequence: intron variant.
Genome position (GRCh38, 1-based): chr17:31,232,064-31,232,069, TTTTTT deleted; deleting any 6 consecutive bases within chr17:31,232,044-31,232,069 gives the same sequence; the c. name uses the placement nearest the transcript's 3' end. VCF-style (leftmost placement, unchanged base first): chr17-31232043-ATTTTTT-A. GRCh37 (hg19) VCF-style: chr17-29559061-ATTTTTT-A.
Other names: c.3198-9_3198-4del (NM_000267.4).
Identifiers: ClinVar variation 3354366 (VCV003354366.1).
Genomic context (GRCh38, chr17:31,232,043, plus strand): 5'-TGTTAGTAAGAGGTTTATTTGAGGGGAAGTGAAAGAACTTGAAAGATTCATGGTCTCTAA[ATTTTTT>A]TTTTTTTTTTTTTTTTTTTTCAGAGATTTGGACCAGGCAAGCATGGAAGCAGTAGTTTCA-3'

ClinVar aggregate classification (germline): Likely benign (0 of 4 stars; one submission).

Conditions:
NF1-related disorder. Also called: NF1-related condition. Identifiers: MedGen CN379171.

Submission:

PreventionGenetics, part of Exact Sciences
Classification: Likely benign for NF1-related condition. Last evaluated: 2024-04-29. Review status: no assertion criteria provided. Collection method: clinical testing. Allele origin: germline.
Comment: This variant is classified as likely benign based on ACMG/AMP sequence variant interpretation guidelines (Richards et al. 2015 PMID: 25741868, with internal and published modifications).